The following is an entry in ClinVar:

ClinVar aggregate classification (germline): Pathogenic (1 of 4 stars; one submission).

Conditions:
Neurodegeneration, childhood-onset, with ataxia, tremor, optic atrophy, and cognitive decline. Identifiers: MedGen C5394335, MONDO:0030028, OMIM 618868.

Submission:

3billion
Classification: Pathogenic for Neurodegeneration, childhood-onset, with ataxia, tremor, optic atrophy, and cognitive decline. Last evaluated: 2022-09-01. Review status: criteria provided, single submitter. Criteria: ACMG Guidelines, 2015. Collection method: clinical testing. Allele origin: germline. Affected: yes. Observed: 1 homozygote.
Comment: The variant is not observed in the gnomAD v2.1.1 dataset. Frameshift variant is predicted to result in a loss or disruption of normal protein function through nonsense-mediated decay (NMD) or protein truncation. Multiple pathogenic variants are reported downstream of the variant. Therefore, this variant is classified as Pathogenic according to the recommendation of ACMG/AMP guideline.

NM_080546.5(SLC44A1):c.588del (p.Ser196fs)

Gene: SLC44A1 (solute carrier family 44 member 1; plus strand). Cytogenetic location: 9q31.1.
Variant type: Deletion.
Coding change: c.588del on transcript NM_080546.5 (MANE Select); coding-DNA position 588, one base deleted (T; older notation c.588delT).
Protein change: p.Ser196fs; shifts the reading frame from serine 196.
Molecular consequence: frameshift variant.
Genome position (GRCh38, 1-based): chr9:105,356,299, T deleted. VCF-style (leftmost placement, unchanged base first): chr9-105356298-GT-G. GRCh37 (hg19) VCF-style: chr9-108118579-GT-G.
Other names: c.588del, p.Ser196fs (NM_001286730.2, NM_001330731.2); short protein forms S196fs.
Identifiers: ClinVar variation 1705625 (VCV001705625.1), dbSNP rs2538237773, ClinGen allele CA2580079292.